The following is an entry in ClinVar:

NM_006277.3(ITSN2):c.930C>G (p.Asp310Glu)

Gene: ITSN2 (intersectin 2; minus strand). Cytogenetic location: 2p23.3.
Variant type: single nucleotide variant.
Coding change: c.930C>G on transcript NM_006277.3 (MANE Select); coding-DNA position 930, C replaced by G.
Protein change: p.Asp310Glu; replaces aspartic acid 310 with glutamic acid.
Molecular consequence: missense variant.
Genome position (GRCh38, 1-based): chr2:24,302,030, G>C on the plus strand (C>G on the coding strand, the complement: ITSN2 is on the minus strand). VCF-style: chr2-24302030-G-C. GRCh37 (hg19) VCF-style: chr2-24524899-G-C.
Other names: c.888C>G, p.Asp296Glu (NM_001348181.2, NM_001348184.2); c.930C>G, p.Asp310Glu (NM_001348182.2, NM_001348183.2, NM_001348185.2 and 3 more transcripts); short protein forms D296E, D310E.
Identifiers: ClinVar variation 2018754 (VCV002018754.4), dbSNP rs1681827212, ClinGen allele CA346044572.

ClinVar aggregate classification (germline): Uncertain significance (1 of 4 stars; one submission).

Submission:

Labcorp Genetics (formerly Invitae), Labcorp
Classification: Uncertain significance. Last evaluated: 2022-07-25. Review status: criteria provided, single submitter. Criteria: Invitae Variant Classification Sherloc (09022015). Collection method: clinical testing. Allele origin: germline.
Comment: In summary, the available evidence is currently insufficient to determine the role of this variant in disease. Therefore, it has been classified as a Variant of Uncertain Significance. Algorithms developed to predict the effect of missense changes on protein structure and function are either unavailable or do not agree on the potential impact of this missense change (SIFT: "Tolerated"; PolyPhen-2: "Probably Damaging"; Align-GVGD: "Class C0"). This variant has not been reported in the literature in individuals affected with ITSN2-related conditions. This variant is not present in population databases (gnomAD no frequency). This sequence change replaces aspartic acid, which is acidic and polar, with glutamic acid, which is acidic and polar, at codon 310 of the ITSN2 protein (p.Asp310Glu).